The following is an entry in ClinVar:

NM_001110556.2(FLNA):c.4243A>G (p.Ile1415Val)

Gene: FLNA (filamin A; minus strand). Cytogenetic location: Xq28.
Variant type: single nucleotide variant.
Coding change: c.4243A>G on transcript NM_001110556.2 (MANE Select); coding-DNA position 4243, A replaced by G.
Protein change: p.Ile1415Val; replaces isoleucine 1415 with valine.
Molecular consequence: missense variant.
Genome position (GRCh38, 1-based): chrX:154,359,306, T>C on the plus strand (A>G on the coding strand, the complement: FLNA is on the minus strand). VCF-style: chrX-154359306-T-C. GRCh37 (hg19) VCF-style: chrX-153587674-T-C.
Other names: c.4243A>G, p.Ile1415Val (NM_001456.4); short protein forms I1415V.
Identifiers: ClinVar variation 1001969 (VCV001001969.53), dbSNP rs2067686132, ClinGen allele CA415218110.

ClinVar aggregate classification (germline): Uncertain significance. Review status: criteria provided, multiple submitters, no conflicts (2 of 4 stars). 2 submissions from 2 submitters: Uncertain significance (2). Last evaluated 2023-05-20.

Conditions:
Frontometaphyseal dysplasia (FMD1). Identifiers: Orphanet 1826, MedGen C0265293, MONDO:0015942.
Melnick-Needles syndrome (MNS). Also called: MELNICK-NEEDLES OSTEODYSPLASTY; OSTEODYSPLASTY OF MELNICK AND NEEDLES; Melnick-Needles Syndrome (FLNA-MNS). Identifiers: Orphanet 2484, MedGen C0025237, MONDO:0010650, OMIM 309350.
Oto-palato-digital syndrome, type II (OPD2). Also called: FACIOPALATOOSSEOUS SYNDROME; Otopalatodigital Syndrome, Type II; OPD II SYNDROME; Otopalatodigital Syndrome Type 2 (FLNA-OPD2). Identifiers: Orphanet 669, Orphanet 90652, MedGen C1844696, MONDO:0010571, OMIM 304120.
Heterotopia, periventricular, X-linked dominant (PVNH1). Also called: PERIVENTRICULAR NODULAR HETEROTOPIA 1; X-linked periventricular heterotopia; PERIVENTRICULAR NODULAR HETEROTOPIA 4; HETEROTOPIA, PERIVENTRICULAR, 1. Identifiers: Orphanet 2149, Orphanet 82004, MedGen C1848213, MONDO:0010233, OMIM 300049.

Submissions (2):

Labcorp Genetics (formerly Invitae), Labcorp
Classification: Uncertain significance for Oto-palato-digital syndrome, type II; Heterotopia, periventricular, X-linked dominant; Frontometaphyseal dysplasia; Melnick-Needles syndrome. Last evaluated: 2023-05-20. Review status: criteria provided, single submitter. Criteria: Invitae Variant Classification Sherloc (09022015). Collection method: clinical testing. Allele origin: germline.
Comment: In summary, the available evidence is currently insufficient to determine the role of this variant in disease. Therefore, it has been classified as a Variant of Uncertain Significance. Advanced modeling of protein sequence and biophysical properties (such as structural, functional, and spatial information, amino acid conservation, physicochemical variation, residue mobility, and thermodynamic stability) performed at Invitae indicates that this missense variant is not expected to disrupt FLNA protein function. ClinVar contains an entry for this variant (Variation ID: 1001969). This variant has not been reported in the literature in individuals affected with FLNA-related conditions. This variant is not present in population databases (gnomAD no frequency). This sequence change replaces isoleucine, which is neutral and non-polar, with valine, which is neutral and non-polar, at codon 1415 of the FLNA protein (p.Ile1415Val).

ARUP Laboratories, Molecular Genetics and Genomics, ARUP Laboratories
Classification: Uncertain significance. Last evaluated: 2021-03-20. Review status: criteria provided, single submitter. Criteria: ARUP Molecular Germline Variant Investigation Process 2021. Collection method: clinical testing. Allele origin: germline.
Comment: The FLNA c.4243A>G; p.Ile1415Val variant, to our knowledge, is not reported in the medical literature but is reported in ClinVar (Variation ID: 1001969). This variant is absent from general population databases (Exome Variant Server, Genome Aggregation Database), indicating it is not a common polymorphism. The isoleucine at codon 1415 is highly conserved, but computational analyses are uncertain whether this variant is neutral or deleterious (REVEL: 0.294). Given the lack of clinical and functional data, the significance of the p.Ile1415Val variant is uncertain at this time.